The following is an entry in ClinVar:

ClinVar aggregate classification (germline): Likely pathogenic (1 of 4 stars; one submission).

gnomAD v4.1: 2 of 1,566,392 alleles (0.00013%); highest among the groups gnomAD compares: Non-Finnish European, 0.00017%; no homozygotes.

Submission:

Labcorp Genetics (formerly Invitae), Labcorp
Classification: Likely pathogenic. Last evaluated: 2024-06-11. Review status: criteria provided, single submitter. Criteria: Invitae Variant Classification Sherloc (09022015). Collection method: clinical testing. Allele origin: germline.
Comment: This sequence change affects a donor splice site in intron 19 of the POLE gene. RNA analysis indicates that disruption of this splice site induces altered splicing and may result in an absent or disrupted protein product. This variant is not present in population databases (gnomAD no frequency). This variant has not been reported in the literature in individuals affected with POLE-related conditions. Studies have shown that disruption of this splice site results in retention of intron 19 and introduces a premature termination codon (Invitae). The resulting mRNA is expected to undergo nonsense-mediated decay. In summary, the currently available evidence indicates that the variant is pathogenic, but additional data are needed to prove that conclusively. Therefore, this variant has been classified as Likely Pathogenic.

NM_006231.4(POLE):c.2173+1G>T

Gene: POLE (DNA polymerase epsilon, catalytic subunit; minus strand). Cytogenetic location: 12q24.33.
Variant type: single nucleotide variant.
Coding change: c.2173+1G>T on transcript NM_006231.4 (MANE Select); the canonical splice donor site of the intron after coding-DNA position 2173, G replaced by T.
Molecular consequence: splice donor variant.
Genome position (GRCh38, 1-based): chr12:132,668,355, C>A on the plus strand (G>T on the coding strand, the complement: POLE is on the minus strand). VCF-style: chr12-132668355-C-A. GRCh37 (hg19) VCF-style: chr12-133244941-C-A.
Identifiers: ClinVar variation 3670618 (VCV003670618.2).